The following is an entry in ClinVar:

ClinVar aggregate classification (germline): Conflicting classifications of pathogenicity. Review status: criteria provided, conflicting classifications (1 of 4 stars). 6 submissions from 6 submitters: Uncertain significance (5); Likely benign (1). Last evaluated 2026-01-26.

Conditions:
Hereditary cancer-predisposing syndrome. Also called: Hereditary neoplastic syndrome; Neoplastic Syndromes, Hereditary; Tumor predisposition; Hereditary Cancer Syndrome. Identifiers: Orphanet 140162, MedGen C0027672, MeSH D009386, MONDO:0015356.
Fanconi anemia complementation group J. Also called: BRIP1-Related Fanconi Anemia. Identifiers: Orphanet 84, MedGen C1836860, MONDO:0012187, OMIM 609054.
Familial cancer of breast. Also called: BREAST CANCER, FAMILIAL; hereditary breast carcinoma; Hereditary breast cancer. Identifiers: Orphanet 227535, MedGen C0346153, MONDO:0016419, OMIM 114480. Disease mechanism: loss of function.

Allele frequency attached by ClinVar (database versions not stated): gnomAD exomes below 0.00001; TOPMed 0.00002; gnomAD 0.00004; ESP Exome Variant Server 0.00008.
gnomAD v4.1: 11 of 1,613,420 alleles (0.00068%); highest among the groups gnomAD compares: African/African-American, 0.013%; no homozygotes.

Submissions (6):

Labcorp Genetics (formerly Invitae), Labcorp
Classification: Uncertain significance for Familial cancer of breast; Fanconi anemia complementation group J. Last evaluated: 2026-01-26. Review status: criteria provided, single submitter. Criteria: Invitae Variant Classification Sherloc (09022015). Collection method: clinical testing. Allele origin: germline.
Comment: This sequence change replaces threonine, which is neutral and polar, with alanine, which is neutral and non-polar, at codon 1175 of the BRIP1 protein (p.Thr1175Ala). This variant is present in population databases (rs372799558, gnomAD 0.02%). This missense change has been observed in individual(s) with ovarian cancer (PMID: 34326862). ClinVar contains an entry for this variant (Variation ID: 461154). Invitae Evidence Modeling of protein sequence and biophysical properties (such as structural, functional, and spatial information, amino acid conservation, physicochemical variation, residue mobility, and thermodynamic stability) indicates that this missense variant is not expected to disrupt BRIP1 protein function with a negative predictive value of 95%. In summary, the available evidence is currently insufficient to determine the role of this variant in disease. Therefore, it has been classified as a Variant of Uncertain Significance.

Ambry Genetics
Classification: Uncertain significance for Hereditary cancer-predisposing syndrome. Last evaluated: 2024-12-18. Review status: criteria provided, single submitter. Criteria: Ambry Variant Classification Scheme 2023. Collection method: clinical testing. Allele origin: germline.
Comment: The p.T1175A variant (also known as c.3523A>G), located in coding exon 19 of the BRIP1 gene, results from an A to G substitution at nucleotide position 3523. The threonine at codon 1175 is replaced by alanine, an amino acid with similar properties. This variant was identified in a cohort of 3,579 African males diagnosed with prostate cancer who underwent multi-gene panel testing of 19 DNA repair and cancer predisposition genes (Matejcic M et al. JCO Precis Oncol, 2020 Jan;4:32-43). This amino acid position is well conserved in available vertebrate species. In addition, this alteration is predicted to be tolerated by in silico analysis. Based on the available evidence, the clinical significance of this variant remains unclear.

Color Diagnostics, LLC DBA Color Health
Classification: Likely benign for Hereditary cancer-predisposing syndrome. Last evaluated: 2024-09-19. Review status: criteria provided, single submitter. Criteria: ACMG Guidelines, 2015. Collection method: clinical testing. Allele origin: germline.

GeneDx
Classification: Uncertain significance. Last evaluated: 2024-05-08. Review status: criteria provided, single submitter. Criteria: GeneDx Variant Classification Process June 2021. Collection method: clinical testing. Allele origin: germline. Affected: yes.
Comment: In silico analysis supports that this missense variant does not alter protein structure/function; Observed in a patient with ovarian cancer (PMID: 34326862); This variant is associated with the following publications: (PMID: 32832836, 34326862)

Women's Health and Genetics/Laboratory Corporation of America, LabCorp
Classification: Uncertain significance. Last evaluated: 2021-01-09. Review status: criteria provided, single submitter. Criteria: LabCorp Variant Classification Summary - May 2015. Collection method: clinical testing. Allele origin: germline.
Comment: Variant summary: BRIP1 c.3523A>G (p.Thr1175Ala) results in a non-conservative amino acid change in the encoded protein sequence. Three of five in-silico tools predict a benign effect of the variant on protein function. The variant was absent in 250646 control chromosomes. The available data on variant occurrences in the general population are insufficient to allow any conclusion about variant significance. To our knowledge, no occurrence of c.3523A>G in individuals affected with Hereditary Breast And Ovarian Cancer Syndrome and no experimental evidence demonstrating its impact on protein function have been reported. Four clinical diagnostic laboratories have submitted clinical-significance assessments for this variant to ClinVar after 2014 without evidence for independent evaluation. All laboratories classified the variant as uncertain significance. Based on the evidence outlined above, the variant was classified as uncertain significance.

Mendelics
Classification: Uncertain significance for Familial cancer of breast. Last evaluated: 2019-05-28. Review status: criteria provided, single submitter. Criteria: Mendelics Assertion Criteria 2017. Collection method: clinical testing. Allele origin: unknown.

Literature cited by the submitters: PubMed 34326862 (cited by Labcorp Genetics (formerly Invitae), Labcorp); PubMed 32832836 (cited by Ambry Genetics).

NM_032043.3(BRIP1):c.3523A>G (p.Thr1175Ala)

Gene: BRIP1 (BRCA1 interacting DNA helicase 1; minus strand). Cytogenetic location: 17q23.2.
Variant type: single nucleotide variant.
Coding change: c.3523A>G on transcript NM_032043.3 (MANE Select); coding-DNA position 3523, A replaced by G.
Protein change: p.Thr1175Ala; replaces threonine 1175 with alanine.
Molecular consequence: missense variant.
Genome position (GRCh38, 1-based): chr17:61,683,523, T>C on the plus strand (A>G on the coding strand, the complement: BRIP1 is on the minus strand). VCF-style: chr17-61683523-T-C. GRCh37 (hg19) VCF-style: chr17-59760884-T-C.
Other names: short protein forms T1175A.
Identifiers: ClinVar variation 461154 (VCV000461154.29), dbSNP rs372799558, ClinGen allele CA292267187.